The following is an entry in ClinVar:

ClinVar aggregate classification (germline): Uncertain significance (1 of 4 stars; one submission).

Submission:

Labcorp Genetics (formerly Invitae), Labcorp
Classification: Uncertain significance. Last evaluated: 2025-10-22. Review status: criteria provided, single submitter. Criteria: Invitae Variant Classification Sherloc (09022015). Collection method: clinical testing. Allele origin: germline.
Comment: This sequence change replaces proline, which is neutral and non-polar, with serine, which is neutral and polar, at codon 766 of the KMT2B protein (p.Pro766Ser). Information on the frequency of this variant in the gnomAD database is not available, as this variant may be reported differently in the database. This variant has not been reported in the literature in individuals affected with KMT2B-related conditions. ClinVar contains an entry for this variant (Variation ID: 3682130). Experimental studies and prediction algorithms are not available or were not evaluated, and the functional significance of this variant is currently unknown. In summary, the available evidence is currently insufficient to determine the role of this variant in disease. Therefore, it has been classified as a Variant of Uncertain Significance.

NM_014727.3(KMT2B):c.2295_2296inv (p.Pro766Ser)

Gene: KMT2B (lysine methyltransferase 2B; plus strand). Cytogenetic location: 19q13.12.
Variant type: Inversion.
Coding change: c.2295_2296inv on transcript NM_014727.3 (MANE Select).
Protein change: p.Pro766Ser; replaces proline 766 with serine.
Molecular consequence: missense variant.
Genome position: GRCh38 VCF-style: chr19-35721642-AC-GT. GRCh37 (hg19) VCF-style: chr19-36212544-AC-GT.
Other names: short protein forms P766S.
Identifiers: ClinVar variation 3682130 (VCV003682130.2).